The following is an entry in ClinVar:

ClinVar aggregate classification (germline): Uncertain significance (1 of 4 stars; one submission).

Conditions:
Inborn genetic diseases. Identifiers: MedGen C0950123, MeSH D030342.

Submission:

Ambry Genetics
Classification: Uncertain significance for Inborn genetic diseases. Last evaluated: 2021-02-11. Review status: criteria provided, single submitter. Criteria: Ambry Variant Classification Scheme 2023. Collection method: clinical testing. Allele origin: germline.
Comment: The c.562C>T (p.P188S) alteration is located in exon 1 (coding exon 1) of the MAGEL2 gene. This alteration results from a C to T substitution at nucleotide position 562, causing the proline (P) at amino acid position 188 to be replaced by a serine (S). The p.P188S alteration is predicted to be tolerated by in silico analysis. Based on insufficient or conflicting evidence, the clinical significance of this alteration remains unclear.

NM_019066.5(MAGEL2):c.562C>T (p.Pro188Ser)

Gene: MAGEL2 (MAGE family member L2; minus strand). Cytogenetic location: 15q11.2.
Variant type: single nucleotide variant.
Coding change: c.562C>T on transcript NM_019066.5 (MANE Select); coding-DNA position 562, C replaced by T.
Protein change: p.Pro188Ser; replaces proline 188 with serine.
Molecular consequence: missense variant.
Genome position (GRCh38, 1-based): chr15:23,647,181, G>A on the plus strand (C>T on the coding strand, the complement: MAGEL2 is on the minus strand). VCF-style: chr15-23647181-G-A. GRCh37 (hg19) VCF-style: chr15-23892328-G-A.
Other names: short protein forms P188S.
Identifiers: ClinVar variation 2228922 (VCV002228922.2), dbSNP rs945739749, ClinGen allele CA391336974.
Genomic context (GRCh38, chr15:23,647,181, plus strand): 5'-GTGTCCCCGGAGGGGGAGGATGAGCCATCGGTGTCCCCGGAGGGGGAGGATGAGCCATCG[G>A]GGTCCCCGGAGGAGGAGGATGCACCATCGGGGTCCCCGGAGGAGGAGGATGGGCCATCGG-3'
Protein context (NP_061939.3, residues 178-198): PMVHPPPPGT[Pro188Ser]MAHPPPPGTP